The following is an entry in ClinVar:

ClinVar aggregate classification (germline): Pathogenic/Likely pathogenic. Review status: criteria provided, multiple submitters, no conflicts (2 of 4 stars). 2 submissions from 2 submitters: Pathogenic (1); Likely pathogenic (1). Last evaluated 2025-01-17.

Conditions:
Usher syndrome type 2C. Also called: Usher syndrome, type 2B; USHER SYNDROME, TYPE IIC. Identifiers: Orphanet 231178, Orphanet 886, MedGen C2931213, MONDO:0011558, OMIM 605472.

Submissions (2):

First Genomix Gene Laboratory, Genetic Diagnostics Department
Classification: Likely pathogenic for Usher syndrome type 2C. Last evaluated: 2025-01-17. Review status: criteria provided, single submitter. Criteria: ACMG Guidelines, 2015. Collection method: clinical testing. Allele origin: germline. Inheritance: Autosomal recessive inheritance. Affected: no. Observed: 1 variant allele.

Labcorp Genetics (formerly Invitae), Labcorp
Classification: Pathogenic. Last evaluated: 2023-12-13. Review status: criteria provided, single submitter. Criteria: Invitae Variant Classification Sherloc (09022015). Collection method: clinical testing. Allele origin: germline.
Comment: This sequence change creates a premature translational stop signal (p.Trp5987*) in the ADGRV1 gene. It is expected to result in an absent or disrupted protein product. Loss-of-function variants in ADGRV1 are known to be pathogenic (PMID: 19357117, 22135276, 22147658, 26226137, 30718709, 31047384, 32467589). This variant is not present in population databases (gnomAD no frequency). This variant has not been reported in the literature in individuals affected with ADGRV1-related conditions. For these reasons, this variant has been classified as Pathogenic.

Literature cited by the submitters: PubMed 19357117 (cited by Labcorp Genetics (formerly Invitae), Labcorp); PubMed 22135276 (cited by Labcorp Genetics (formerly Invitae), Labcorp); PubMed 22147658 (cited by Labcorp Genetics (formerly Invitae), Labcorp); PubMed 26226137 (cited by Labcorp Genetics (formerly Invitae), Labcorp); PubMed 30718709 (cited by Labcorp Genetics (formerly Invitae), Labcorp); PubMed 31047384 (cited by Labcorp Genetics (formerly Invitae), Labcorp); PubMed 32467589 (cited by Labcorp Genetics (formerly Invitae), Labcorp).

NM_032119.4(ADGRV1):c.17960G>A (p.Trp5987Ter)

Gene: ADGRV1 (adhesion G protein-coupled receptor V1; plus strand). Cytogenetic location: 5q14.3.
Variant type: single nucleotide variant.
Coding change: c.17960G>A on transcript NM_032119.4 (MANE Select); coding-DNA position 17960, G replaced by A.
Protein change: p.Trp5987Ter; replaces tryptophan 5987 with a stop codon.
Molecular consequence: nonsense. On other transcripts: non-coding transcript variant (1).
Genome position (GRCh38, 1-based): chr5:90,965,518, G>A. VCF-style: chr5-90965518-G-A. GRCh37 (hg19) VCF-style: chr5-90261335-G-A.
Other names: short protein forms W5987*.
Identifiers: ClinVar variation 2702915 (VCV002702915.4), dbSNP rs2531504436, ClinGen allele CA360426970.